The following is an entry in ClinVar:

ClinVar aggregate classification (germline): Conflicting classifications of pathogenicity. Review status: criteria provided, conflicting classifications (1 of 4 stars). 6 submissions from 6 submitters: Uncertain significance (2); Benign (1); Likely benign (3). Last evaluated 2025-12-27.

Conditions:
Tuberous sclerosis syndrome (TSC). Also called: Tuberous Sclerosis Complex; Tuberous sclerosis. Identifiers: Orphanet 805, MedGen C0041341, MONDO:0001734.
Tuberous sclerosis 2 (TSC2). Identifiers: Orphanet 805, MedGen C1860707, MONDO:0013199, OMIM 613254.

Allele frequency attached by ClinVar (database versions not stated): gnomAD exomes 0.00001.
gnomAD v4.1: 15 of 1,578,022 alleles (0.00095%); highest among the groups gnomAD compares: Non-Finnish European, 0.0013%; no homozygotes.

Submissions (6):

Labcorp Genetics (formerly Invitae), Labcorp
Classification: Benign for Tuberous sclerosis 2. Last evaluated: 2025-12-27. Review status: criteria provided, single submitter. Criteria: Invitae Variant Classification Sherloc (09022015). Collection method: clinical testing. Allele origin: germline.

Myriad Genetics, Inc.
Classification: Likely benign for Tuberous sclerosis 2. Last evaluated: 2025-06-02. Review status: criteria provided, single submitter. Criteria: Myriad Autosomal Dominant, Autosomal Recessive and X-Linked Classification Criteria (2023). Collection method: clinical testing. Allele origin: unknown.
Comment: This variant is considered likely benign. This variant is intronic and is not expected to impact mRNA splicing.

All of Us Research Program, National Institutes of Health
Classification: Likely benign for Tuberous sclerosis syndrome. Last evaluated: 2023-04-03. Review status: criteria provided, single submitter. Criteria: ACMG Guidelines, 2015. Collection method: clinical testing. Allele origin: germline. Inheritance: Autosomal dominant inheritance. Observed: 1 variant allele, 1 heterozygote.
Comment: This study involves interpretation of variants in research participants for the purpose of population health screening. Participant phenotype was not available at the time of variant classification. Additional details can be found in publication PMID: 35346344, PMCID: PMC8962531

Genome-Nilou Lab
Classification: Likely benign for Tuberous sclerosis 2. Last evaluated: 2021-11-07. Review status: criteria provided, single submitter. Criteria: ACMG Guidelines, 2015. Collection method: clinical testing. Allele origin: germline. Affected: no.

CeGaT Center for Human Genetics Tuebingen
Classification: Uncertain significance. Last evaluated: 2020-04-01. Review status: criteria provided, single submitter. Criteria: CeGaT Center For Human Genetics Tuebingen Variant Classification Criteria Version 2. Collection method: clinical testing. Allele origin: germline. Affected: yes. Observed: 1 variant allele.

GeneDx
Classification: Uncertain significance. Last evaluated: 2020-01-11. Review status: criteria provided, single submitter. Criteria: GeneDx Variant Classification Process June 2021. Collection method: clinical testing. Allele origin: germline. Affected: yes.
Comment: Not observed in large population cohorts (Lek et al., 2016). However, the c.4006-6T>C variant is observed in heterozygous state in two presumably healthy adult individuals tested at GeneDx; In-silico analysis, which includes splice predictors and evolutionary conservation, is inconclusive as to whether the variant alters gene splicing. In the absence of RNA/functional studies, the actual effect of this sequence change is unknown.; Has not been previously published as pathogenic or benign to our knowledge

NM_000548.5(TSC2):c.4006-6T>C

Gene: TSC2 (TSC complex subunit 2; plus strand). Cytogenetic location: 16p13.3.
Variant type: single nucleotide variant.
Coding change: c.4006-6T>C on transcript NM_000548.5 (MANE Select); 6 bases into the intron before coding-DNA position 4006, T replaced by C.
Molecular consequence: intron variant.
Genome position (GRCh38, 1-based): chr16:2,084,222, T>C. VCF-style: chr16-2084222-T-C. GRCh37 (hg19) VCF-style: chr16-2134223-T-C.
Other names: c.3937-6T>C (NM_001114382.3); c.3877-6T>C (NM_021055.3, NM_001370405.1); c.3808-6T>C (NM_001363528.2); c.3874-6T>C (NM_001370404.1); c.3805-6T>C (NM_001077183.3); c.3697-6T>C (NM_001318827.2); c.3274-6T>C (NM_001318831.2); c.3661-6T>C (NM_001318829.2); and 1 more.
Identifiers: ClinVar variation 406058 (VCV000406058.55), dbSNP rs1060500953, ClinGen allele CA16615149.